The following is an entry in ClinVar:

ClinVar aggregate classification (germline): Likely pathogenic (1 of 4 stars; one submission).

Conditions:
Bainbridge-Ropers syndrome. Also called: Severe feeding difficulties-failure to thrive-microcephaly due to ASXL3 deficiency syndrome. Identifiers: Orphanet 352577, MedGen C4750837, MONDO:0014205, OMIM 615485.

Submission:

3billion
Classification: Likely pathogenic for Bainbridge-Ropers syndrome. Last evaluated: 2025-02-07. Review status: criteria provided, single submitter. Criteria: ACMG Guidelines, 2015. Collection method: clinical testing. Allele origin: germline. Affected: yes.
Comment: The variant is not observed in the gnomAD v4.1.0 dataset. Predicted Consequence/Location: Frameshift: predicted to result in a loss or disruption of normal protein function through nonsense-mediated decay (NMD) or protein truncation. Multiple pathogenic variants are reported downstream of the variant. Therefore, this variant is classified as Likely pathogenic according to the recommendation of ACMG/AMP guideline.

NM_030632.3(ASXL3):c.1147_1168del (p.Ser383fs)

Gene: ASXL3 (ASXL transcriptional regulator 3; plus strand). Cytogenetic location: 18q12.1.
Variant type: Deletion.
Coding change: c.1147_1168del on transcript NM_030632.3 (MANE Select); coding-DNA positions 1147 to 1168, 22 bases deleted (AGTAGTTCTTCATGTGGGACTT).
Protein change: p.Ser383fs; shifts the reading frame from serine 383.
Molecular consequence: frameshift variant.
Genome position (GRCh38, 1-based): chr18:33,738,551-33,738,572, AGTAGTTCTTCATGTGGGACTT deleted. VCF-style (leftmost placement, unchanged base first): chr18-33738550-AAGTAGTTCTTCATGTGGGACTT-A. GRCh37 (hg19) VCF-style: chr18-31318514-AAGTAGTTCTTCATGTGGGACTT-A.
Other names: short protein forms S383fs.
Identifiers: ClinVar variation 4292677 (VCV004292677.1).